The following is an entry in ClinVar:

NM_001754.5(RUNX1):c.*700dup

Gene: RUNX1 (RUNX family transcription factor 1; minus strand). Cytogenetic location: 21q22.12.
Variant type: Duplication.
Coding change: c.*700dup on transcript NM_001754.5 (MANE Select); 700 bases downstream of the stop codon, one base duplicated (T; older notation c.*700dupT).
Molecular consequence: 3 prime UTR variant.
Genome position (GRCh38, 1-based): chr21:34,791,435, A duplicated on the plus strand (T on the coding strand, the reverse complement: RUNX1 is on the minus strand); the first of 7 consecutive A bases (chr21:34,791,435-34,791,441); duplicating any one gives the same sequence. VCF-style (leftmost placement, unchanged base first): chr21-34791434-C-CA. GRCh37 (hg19) VCF-style: chr21-36163731-C-CA.
Other names: c.*700dup (NM_001001890.3).
Identifiers: ClinVar variation 339856 (VCV000339856.6), dbSNP rs11424731, ClinGen allele CA10644632.

ClinVar aggregate classification (germline): Benign (3 of 4 stars; one submission).

Conditions:
Hereditary thrombocytopenia and hematologic cancer predisposition syndrome. Identifiers: Orphanet 71290, MedGen CN281654, MONDO:0011071.

Submission:

ClinGen Myeloid Malignancy Variant Curation Expert Panel
Classification: Benign for Hereditary thrombocytopenia and hematologic cancer predisposition syndrome. Last evaluated: 2022-06-30. Review status: reviewed by expert panel. Criteria: ClinGen MyeloMalig ACMG Specifications v2. Collection method: curation. Allele origin: germline.
Comment: NM_001754.5(RUNX1):c.*700dup is an intronic variant. This variant has a MAF of 0.02853 (2.85%, 241/8446 alleles) in the African/African American subpopulation of the gnomAD cohort is ≥ 0.0015 (0.15%) (BA1). This variant is reported 3 times in homozygosity in gnomAD v2.1.1 (BP2). In summary, this variant meets criteria to be classified as benign. ACMG/AMP criteria applied, as specified by the Myeloid Malignancy Variant Curation Expert Panel for RUNX1: BA1, BP2